The following is an entry in ClinVar:

NM_001365276.2(TNXB):c.2066C>T (p.Pro689Leu)

Gene: TNXB (tenascin XB; minus strand). Cytogenetic location: 6p21.33.
Variant type: single nucleotide variant.
Coding change: c.2066C>T on transcript NM_001365276.2 (MANE Select); coding-DNA position 2066, C replaced by T.
Protein change: p.Pro689Leu; replaces proline 689 with leucine.
Molecular consequence: missense variant.
Genome position (GRCh38, 1-based): chr6:32,095,787, G>A on the plus strand (C>T on the coding strand, the complement: TNXB is on the minus strand). VCF-style: chr6-32095787-G-A. GRCh37 (hg19) VCF-style: chr6-32063564-G-A.
Other names: c.2066C>T, p.Pro689Leu (NM_001428335.1, NM_019105.8); short protein forms P689L.
Identifiers: ClinVar variation 3972001 (VCV003972001.1).

ClinVar aggregate classification (germline): Uncertain significance (1 of 4 stars; one submission).

Conditions:
Cardiovascular phenotype. Identifiers: MedGen CN230736.

gnomAD v4.1: 2 of 1,613,392 alleles (0.00012%); highest among the groups gnomAD compares: Non-Finnish European, 0.00017%; no homozygotes.

Submission:

Ambry Genetics
Classification: Uncertain significance for Cardiovascular phenotype. Last evaluated: 2025-04-20. Review status: criteria provided, single submitter. Criteria: Ambry Variant Classification Scheme 2023. Collection method: clinical testing. Allele origin: germline.
Comment: The p.P689L variant (also known as c.2066C>T), located in coding exon 2 of the TNXB gene, results from a C to T substitution at nucleotide position 2066. The proline at codon 689 is replaced by leucine, an amino acid with similar properties. This amino acid position is conserved. In addition, this alteration is predicted to be tolerated by in silico analysis. Based on the available evidence, the clinical significance of this variant remains unclear.